The following is an entry in ClinVar:

ClinVar aggregate classification (germline): Uncertain significance. Review status: criteria provided, multiple submitters, no conflicts (2 of 4 stars). 6 submissions from 6 submitters: Uncertain significance (6). Last evaluated 2025-07-07.

Conditions:
ALS2-related disorder. Also called: ALS2-Related Spectrum Disorders; ALS2-related condition; ALS2-related disorders. Identifiers: MedGen CN169291.
Hereditary spastic paraplegia. Also called: Familial spastic paraparesis. Identifiers: Orphanet 685, MedGen C0037773, MONDO:0019064. Disease mechanism: loss of function.
Infantile-onset ascending hereditary spastic paralysis (IAHSP). Also called: Autosomal Recessive Juvenile Amyotrophic Lateral Sclerosis; Infantile-Onset Ascending Hereditary Spastic Paralysis (IAHSP). Identifiers: Orphanet 293168, MedGen C2931441, MONDO:0011797, OMIM 607225. Disease mechanism: loss of function.

Allele frequency attached by ClinVar (database versions not stated): gnomAD 0.00006; TOPMed 0.00008; gnomAD exomes 0.00017 and 0.00024; ExAC 0.00022.
gnomAD v4.1: 359 of 1,614,020 alleles (0.022%); highest among the groups gnomAD compares: Non-Finnish European, 0.029%; no homozygotes.

Submissions (6):

PreventionGenetics, part of Exact Sciences
Classification: Uncertain significance for ALS2-related condition. Last evaluated: 2025-07-07. Review status: criteria provided, single submitter. Criteria: ACMG Guidelines, 2015. Collection method: clinical testing. Allele origin: germline.
Comment: The ALS2 c.725T>C variant is predicted to result in the amino acid substitution p.Met242Thr. To our knowledge, this variant has not been reported in the literature. This variant is reported in 0.031% of alleles in individuals of European (non-Finnish) descent in gnomAD. At this time, the clinical significance of this variant is uncertain due to the absence of conclusive functional and genetic evidence.

CeGaT Center for Human Genetics Tuebingen
Classification: Uncertain significance. Last evaluated: 2025-06-01. Review status: criteria provided, single submitter. Criteria: CeGaT Center For Human Genetics Tuebingen Variant Classification Criteria Version 2. Collection method: clinical testing. Allele origin: germline. Affected: yes. Observed: 1 variant allele.
Comment: ALS2: PM2

GeneDx
Classification: Uncertain significance. Last evaluated: 2025-01-28. Review status: criteria provided, single submitter. Criteria: GeneDx Variant Classification Process June 2021. Collection method: clinical testing. Allele origin: germline. Affected: yes.
Comment: In silico analysis supports that this missense variant has a deleterious effect on protein structure/function; Has not been previously published as pathogenic or benign to our knowledge

Blueprint Genetics
Classification: Uncertain significance. Last evaluated: 2024-08-09. Review status: criteria provided, single submitter. Criteria: ACMG Guidelines, 2015. Collection method: clinical testing. Allele origin: germline.

Labcorp Genetics (formerly Invitae), Labcorp
Classification: Uncertain significance for Infantile-onset ascending hereditary spastic paralysis. Last evaluated: 2022-08-20. Review status: criteria provided, single submitter. Criteria: Invitae Variant Classification Sherloc (09022015). Collection method: clinical testing. Allele origin: germline.
Comment: This sequence change replaces methionine, which is neutral and non-polar, with threonine, which is neutral and polar, at codon 242 of the ALS2 protein (p.Met242Thr). This variant is present in population databases (rs200733209, gnomAD 0.03%). This variant has not been reported in the literature in individuals affected with ALS2-related conditions. ClinVar contains an entry for this variant (Variation ID: 856390). Algorithms developed to predict the effect of missense changes on protein structure and function are either unavailable or do not agree on the potential impact of this missense change (SIFT: "Tolerated"; PolyPhen-2: "Possibly Damaging"; Align-GVGD: "Class C0"). In summary, the available evidence is currently insufficient to determine the role of this variant in disease. Therefore, it has been classified as a Variant of Uncertain Significance.

Genome Diagnostics Laboratory, The Hospital for Sick Children
Classification: Uncertain significance for Hereditary spastic paraplegia. Last evaluated: 2016-12-12. Review status: criteria provided, single submitter. Criteria: ACMG Guidelines, 2015. Collection method: clinical testing. Allele origin: germline. Affected: yes.

NM_020919.4(ALS2):c.725T>C (p.Met242Thr)

Gene: ALS2 (alsin Rho guanine nucleotide exchange factor ALS2; minus strand). Cytogenetic location: 2q33.1.
Variant type: single nucleotide variant.
Coding change: c.725T>C on transcript NM_020919.4 (MANE Select); coding-DNA position 725, T replaced by C.
Protein change: p.Met242Thr; replaces methionine 242 with threonine.
Molecular consequence: missense variant.
Genome position (GRCh38, 1-based): chr2:201,761,269, A>G on the plus strand (T>C on the coding strand, the complement: ALS2 is on the minus strand). VCF-style: chr2-201761269-A-G. GRCh37 (hg19) VCF-style: chr2-202625992-A-G.
Other names: c.725T>C, p.Met242Thr (NM_001135745.2); short protein forms M242T.
Identifiers: ClinVar variation 856390 (VCV000856390.24), dbSNP rs200733209, ClinGen allele CA2058608.
Genomic context (GRCh38, chr2:201,761,269, plus strand): 5'-GTCACACCTAATGGGCAACAATGACTGTCTGATATAATCACATGGTCTTCTTTGTCAGTC[A>G]TAGTAATCAAGAGCTGGCTGCACTGGTTGCATCGTTCTGGGACTGGCTTCAGATCCTGGG-3'
Protein context (NP_065970.2, residues 232-252): CNQCSQLLIT[Met242Thr]TDKEDHVIIS